The following is an entry in ClinVar:

ClinVar aggregate classification (germline): Uncertain significance (1 of 4 stars; one submission).

Conditions:
Propionic acidemia (PROP). Also called: GLYCINEMIA, KETOTIC; HYPERGLYCINEMIA WITH KETOACIDOSIS AND LEUKOPENIA; KETOTIC HYPERGLYCINEMIA. Identifiers: Orphanet 35, MedGen C0268579, MONDO:0011628, OMIM 606054, HP:0003571.

gnomAD v4.1: 1 of 1,535,770 alleles (0.000065%); highest among the groups gnomAD compares: Non-Finnish European, 0.000088%; no homozygotes.

Submission:

Labcorp Genetics (formerly Invitae), Labcorp
Classification: Uncertain significance for Propionic acidemia. Last evaluated: 2022-03-12. Review status: criteria provided, single submitter. Criteria: Invitae Variant Classification Sherloc (09022015). Collection method: clinical testing. Allele origin: germline.
Comment: This sequence change replaces arginine, which is basic and polar, with glycine, which is neutral and non-polar, at codon 6 of the PCCB protein (p.Arg6Gly). This variant is not present in population databases (gnomAD no frequency). This variant has not been reported in the literature in individuals affected with PCCB-related conditions. Advanced modeling of protein sequence and biophysical properties (such as structural, functional, and spatial information, amino acid conservation, physicochemical variation, residue mobility, and thermodynamic stability) performed at Invitae indicates that this missense variant is not expected to disrupt PCCB protein function. In summary, the available evidence is currently insufficient to determine the role of this variant in disease. Therefore, it has been classified as a Variant of Uncertain Significance.

NM_000532.5(PCCB):c.16C>G (p.Arg6Gly)

Gene: PCCB (propionyl-CoA carboxylase subunit beta; plus strand). Cytogenetic location: 3q22.3.
Variant type: single nucleotide variant.
Coding change: c.16C>G on transcript NM_000532.5 (MANE Select); coding-DNA position 16, C replaced by G.
Protein change: p.Arg6Gly; replaces arginine 6 with glycine.
Molecular consequence: missense variant.
Genome position (GRCh38, 1-based): chr3:136,250,391, C>G. VCF-style: chr3-136250391-C-G. GRCh37 (hg19) VCF-style: chr3-135969233-C-G.
Other names: c.16C>G, p.Arg6Gly (NM_001178014.2); short protein forms R6G.
Identifiers: ClinVar variation 1969812 (VCV001969812.2), dbSNP rs377681768, ClinGen allele CA354737832.